The following is an entry in ClinVar:

ClinVar aggregate classification (germline): Uncertain significance. Review status: criteria provided, multiple submitters, no conflicts (2 of 4 stars). 2 submissions from 2 submitters: Uncertain significance (2). Last evaluated 2026-02-23.

Conditions:
Alstrom syndrome (ALMS). Identifiers: Orphanet 64, MedGen C0268425, MONDO:0008763, OMIM 203800.

Allele frequency attached by ClinVar (database versions not stated): ExAC 0.00001; gnomAD exomes 0.00001; TOPMed 0.00001; gnomAD 0.00002.
gnomAD v4.1: 8 of 1,613,992 alleles (0.0005%); highest among the groups gnomAD compares: Admixed American, 0.013%; no homozygotes.

Submissions (2):

Women's Health and Genetics/Laboratory Corporation of America, LabCorp
Classification: Uncertain significance. Last evaluated: 2026-02-23. Review status: criteria provided, single submitter. Criteria: LabCorp Variant Classification Summary - May 2015. Collection method: clinical testing. Allele origin: germline.

Labcorp Genetics (formerly Invitae), Labcorp
Classification: Uncertain significance for Alstrom syndrome. Last evaluated: 2022-08-23. Review status: criteria provided, single submitter. Criteria: Invitae Variant Classification Sherloc (09022015). Collection method: clinical testing. Allele origin: germline.
Comment: This sequence change replaces aspartic acid, which is acidic and polar, with glycine, which is neutral and non-polar, at codon 3718 of the ALMS1 protein (p.Asp3718Gly). This variant is present in population databases (rs753008972, gnomAD 0.01%). This variant has not been reported in the literature in individuals affected with ALMS1-related conditions. Experimental studies and prediction algorithms are not available or were not evaluated, and the functional significance of this variant is currently unknown. In summary, the available evidence is currently insufficient to determine the role of this variant in disease. Therefore, it has been classified as a Variant of Uncertain Significance.

NM_001378454.1(ALMS1):c.11150A>G (p.Asp3717Gly)

Gene: ALMS1 (ALMS1 centrosome and basal body associated protein; plus strand). Cytogenetic location: 2p13.1.
Variant type: single nucleotide variant.
Coding change: c.11150A>G on transcript NM_001378454.1 (MANE Select); coding-DNA position 11150, A replaced by G.
Protein change: p.Asp3717Gly; replaces aspartic acid 3717 with glycine.
Molecular consequence: missense variant.
Genome position (GRCh38, 1-based): chr2:73,573,027, A>G. VCF-style: chr2-73573027-A-G. GRCh37 (hg19) VCF-style: chr2-73800154-A-G.
Other names: c.11153A>G, p.Asp3718Gly (NM_015120.4); short protein forms D3718G, D3717G.
Identifiers: ClinVar variation 2094528 (VCV002094528.2), dbSNP rs753008972, ClinGen allele CA1715129.
Genomic context (GRCh38, chr2:73,573,027, plus strand): 5'-TGCTTTCTCATCATCGAGCTGGGAGGTCTAATCAAATTAAAATTGAACAGATTAAATTTG[A>G]TAAATATATTCTGAGTAAACAGCCAGGTTTTAATTATATAAGCAACACTTCTTCGGATTG-3'
Protein context (NP_001365383.1, residues 3707-3727): NQIKIEQIKF[Asp3717Gly]KYILSKQPGF